The following is an entry in ClinVar:

NM_001330078.2(NRXN1):c.601G>A (p.Glu201Lys)

Gene: NRXN1 (neurexin 1; minus strand). Cytogenetic location: 2p16.3.
Variant type: single nucleotide variant.
Coding change: c.601G>A on transcript NM_001330078.2 (MANE Select); coding-DNA position 601, G replaced by A.
Protein change: p.Glu201Lys; replaces glutamic acid 201 with lysine.
Molecular consequence: missense variant.
Genome position (GRCh38, 1-based): chr2:51,027,673, C>T on the plus strand (G>A on the coding strand, the complement: NRXN1 is on the minus strand). VCF-style: chr2-51027673-C-T. GRCh37 (hg19) VCF-style: chr2-51254811-C-T.
Other names: c.601G>A, p.Glu201Lys (NM_001135659.3, NM_001330077.2, NM_001330079.2 and 15 more transcripts); short protein forms E201K.
Identifiers: ClinVar variation 1467976 (VCV001467976.6), dbSNP rs756908062, ClinGen allele CA1655451.

ClinVar aggregate classification (germline): Uncertain significance (1 of 4 stars; one submission).

Conditions:
Pitt-Hopkins-like syndrome 2 (PTHSL2). Identifiers: Orphanet 221150, Orphanet 600663, MedGen C3280479, MONDO:0013690, OMIM 614325.

Allele frequency attached by ClinVar (database versions not stated): TOPMed 0.00001.
gnomAD v4.1: 3 of 1,602,746 alleles (0.00019%); highest among the groups gnomAD compares: Non-Finnish European, 0.00017%; no homozygotes.

Submission:

Labcorp Genetics (formerly Invitae), Labcorp
Classification: Uncertain significance for Pitt-Hopkins-like syndrome 2. Last evaluated: 2021-10-24. Review status: criteria provided, single submitter. Criteria: Invitae Variant Classification Sherloc (09022015). Collection method: clinical testing. Allele origin: germline.
Comment: The frequency data for this variant in the population databases is considered unreliable, as metrics indicate poor data quality at this position in the ExAC database. In summary, the available evidence is currently insufficient to determine the role of this variant in disease. Therefore, it has been classified as a Variant of Uncertain Significance. Algorithms developed to predict the effect of missense changes on protein structure and function (SIFT, PolyPhen-2, Align-GVGD) all suggest that this variant is likely to be tolerated. This variant has not been reported in the literature in individuals affected with NRXN1-related conditions. This sequence change replaces glutamic acid with lysine at codon 201 of the NRXN1 protein (p.Glu201Lys). The glutamic acid residue is moderately conserved and there is a small physicochemical difference between glutamic acid and lysine.